The following is an entry in ClinVar:

NM_000152.5(GAA):c.26C>G (p.Ser9Cys)

Gene: GAA (alpha glucosidase; plus strand). Cytogenetic location: 17q25.3.
Variant type: single nucleotide variant.
Coding change: c.26C>G on transcript NM_000152.5 (MANE Select); coding-DNA position 26, C replaced by G.
Protein change: p.Ser9Cys; replaces serine 9 with cysteine.
Molecular consequence: missense variant.
Genome position (GRCh38, 1-based): chr17:80,104,612, C>G. VCF-style: chr17-80104612-C-G. GRCh37 (hg19) VCF-style: chr17-78078411-C-G.
Other names: c.26C>G, p.Ser9Cys (NM_001079803.3, NM_001079804.3); short protein forms S9C.
Identifiers: ClinVar variation 808325 (VCV000808325.43), dbSNP rs1598568879, ClinGen allele CA401359938.

ClinVar aggregate classification (germline): Uncertain significance. Review status: criteria provided, multiple submitters, no conflicts (2 of 4 stars). 2 submissions from 2 submitters: Uncertain significance (2). Last evaluated 2026-07-01.

Conditions:
Glycogen storage disease, type II (IOPD). Also called: CARDIOMEGALIA GLYCOGENICA DIFFUSA; GLYCOGENOSIS, GENERALIZED, CARDIAC FORM; GSD II; POMPE DISEASE, INFANTILE-ONSET; GLYCOGEN STORAGE DISEASE II, INFANTILE-ONSET; ACID ALPHA-GLUCOSIDASE DEFICIENCY, INFANTILE-ONSET. Identifiers: Orphanet 365, MedGen C0017921, MONDO:0009290, OMIM 232300.

Submissions (2):

Genomenon, Inc
Classification: Uncertain significance for Glycogen storage disease, type II. Last evaluated: 2026-07-01. Review status: criteria provided, single submitter. Criteria: Genomenon Sequence Variant Interpretation Standards - Updated. Collection method: curation. Allele origin: germline. Affected: no.
Comment: GAA p.Ser9Cys (c.26C>G) is a missense variant that changes the amino acid at codon 9 from Serine to Cysteine. This variant has been reported in the published literature (PMID:29149851). It is absent or not present at a significant frequency in gnomAD. In silico models predict that this variant is not damaging. In conclusion, we classify GAA p.Ser9Cys (c.26C>G) as a variant of uncertain significance.

CeGaT Center for Human Genetics Tuebingen
Classification: Uncertain significance. Last evaluated: 2016-06-01. Review status: criteria provided, single submitter. Criteria: CeGaT Center For Human Genetics Tuebingen Variant Classification Criteria Version 2. Collection method: clinical testing. Allele origin: germline. Affected: yes. Observed: 1 variant allele.

Literature cited by the submitters: PubMed 29149851 (cited by Genomenon, Inc).